The following is an entry in ClinVar:

ClinVar aggregate classification (germline): Uncertain significance (1 of 4 stars; one submission).

Submission:

Ambry Genetics
Classification: Uncertain significance. Last evaluated: 2024-09-12. Review status: criteria provided, single submitter. Criteria: Ambry Variant Classification Scheme 2023. Collection method: clinical testing. Allele origin: germline.
Comment: The p.I1406M variant (also known as c.4218A>G), located in coding exon 11 of the MLH3 gene, results from an A to G substitution at nucleotide position 4218. The isoleucine at codon 1406 is replaced by methionine, an amino acid with highly similar properties. This amino acid position is conserved. In addition, this alteration is predicted to be tolerated by in silico analysis. Based on the available evidence, the clinical significance of this variant remains unclear.

NM_001040108.2(MLH3):c.4218A>G (p.Ile1406Met)

Gene: MLH3 (mutL homolog 3; minus strand). Cytogenetic location: 14q24.3.
Variant type: single nucleotide variant.
Coding change: c.4218A>G on transcript NM_001040108.2 (MANE Select); coding-DNA position 4218, A replaced by G.
Protein change: p.Ile1406Met; replaces isoleucine 1406 with methionine.
Molecular consequence: missense variant.
Genome position (GRCh38, 1-based): chr14:75,018,853, T>C on the plus strand (A>G on the coding strand, the complement: MLH3 is on the minus strand). VCF-style: chr14-75018853-T-C. GRCh37 (hg19) VCF-style: chr14-75485556-T-C.
Other names: c.4146A>G, p.Ile1382Met (NM_014381.3); short protein forms I1406M, I1382M.
Identifiers: ClinVar variation 3396712 (VCV003396712.1).